The following is an entry in ClinVar:

ClinVar aggregate classification (germline): Conflicting classifications of pathogenicity. Review status: criteria provided, conflicting classifications (1 of 4 stars). 3 submissions from 3 submitters: Uncertain significance (1); Benign (1); Likely benign (1). Last evaluated 2025-01-17.

Conditions:
Familial cancer of breast. Also called: BREAST CANCER, FAMILIAL; Hereditary breast cancer; hereditary breast carcinoma. Identifiers: Orphanet 227535, MedGen C0346153, MONDO:0016419, OMIM 114480. Disease mechanism: loss of function.
Hereditary cancer-predisposing syndrome. Also called: Neoplastic Syndromes, Hereditary; Tumor predisposition; Hereditary neoplastic syndrome; Hereditary Cancer Syndrome. Identifiers: Orphanet 140162, MedGen C0027672, MeSH D009386, MONDO:0015356.

Submissions (3):

Myriad Genetics, Inc.
Classification: Benign for Familial cancer of breast. Last evaluated: 2025-01-17. Review status: criteria provided, single submitter. Criteria: Myriad Autosomal Dominant, Autosomal Recessive and X-Linked Classification Criteria (2023). Collection method: clinical testing. Allele origin: unknown.
Comment: This variant is considered benign. This variant is a silent/synonymous amino acid change and it is not expected to impact splicing.

Labcorp Genetics (formerly Invitae), Labcorp
Classification: Likely benign for Familial cancer of breast. Last evaluated: 2024-10-06. Review status: criteria provided, single submitter. Criteria: Invitae Variant Classification Sherloc (09022015). Collection method: clinical testing. Allele origin: germline.

Ambry Genetics
Classification: Uncertain significance for Hereditary cancer-predisposing syndrome. Last evaluated: 2023-12-19. Review status: criteria provided, single submitter. Criteria: Ambry Variant Classification Scheme 2023. Collection method: clinical testing. Allele origin: germline.
Comment: The c.2817G>A variant (also known as p.L939L), located in coding exon 8 of the PALB2 gene, results from a G to A substitution at nucleotide position 2817. This nucleotide substitution does not change the leucine at codon 939. This nucleotide position is well conserved in available vertebrate species. In silico splice site analysis predicts that this alteration may weaken the native splice donor site; however, direct evidence is insufficient at this time (Ambry internal data). Since supporting evidence is limited at this time, the clinical significance of this alteration remains unclear.

NM_024675.4(PALB2):c.2817G>A (p.Leu939=)

Gene: PALB2 (partner and localizer of BRCA2; minus strand). Cytogenetic location: 16p12.2.
Variant type: single nucleotide variant.
Coding change: c.2817G>A on transcript NM_024675.4 (MANE Select); coding-DNA position 2817, G replaced by A.
Protein change: p.Leu939=; no amino-acid change (leucine 939 retained).
Molecular consequence: synonymous variant.
Genome position (GRCh38, 1-based): chr16:23,624,026, C>T on the plus strand (G>A on the coding strand, the complement: PALB2 is on the minus strand). VCF-style: chr16-23624026-C-T. GRCh37 (hg19) VCF-style: chr16-23635347-C-T.
Other names: c.2757G>A, p.Leu919= (NM_001407296.1); c.2745G>A, p.Leu915= (NM_001407297.1); c.2655G>A, p.Leu885= (NM_001407298.1, NM_001407302.1); c.2817G>A, p.Leu939= (NM_001407299.1, NM_001407300.1, NM_001407301.1); c.1932G>A, p.Leu644= (NM_001407304.1, NM_001407305.1, NM_001407306.1 and 4 more transcripts); c.1770G>A, p.Leu590= (NM_001407307.1); c.1029G>A, p.Leu343= (NM_001407312.1, NM_001407313.1); c.351G>A, p.Leu117= (NM_001407314.1).
Identifiers: ClinVar variation 3228020 (VCV003228020.4), dbSNP rs1555459710, ClinGen allele CA494181085.
Genomic context (GRCh38, chr16:23,624,026, plus strand): 5'-CAAAGATGAAGGAAAAACAAATCACTCCTTGGGAATTACATACCTGATCTCTCTGATTTC[C>T]AAATTTCCCAAAGCTACACACACGAGATTATACACATCAGGCACTGGAACTATCTGTAAT-3'
Protein context (NP_078951.2, residues 929-949): YNLVCVALGN[Leu939=]EIREIRALFC